The following is an entry in ClinVar:

NM_000551.4(VHL):c.250G>T (p.Val84Leu)

Gene: VHL (von Hippel-Lindau tumor suppressor; plus strand). Cytogenetic location: 3p25.3.
Variant type: single nucleotide variant.
Coding change: c.250G>T on transcript NM_000551.4 (MANE Select); coding-DNA position 250, G replaced by T.
Protein change: p.Val84Leu; replaces valine 84 with leucine.
Molecular consequence: missense variant.
Genome position (GRCh38, 1-based): chr3:10,142,097, G>T. VCF-style: chr3-10142097-G-T. GRCh37 (hg19) VCF-style: chr3-10183781-G-T.
Other names: c.250G>T, p.Val84Leu (NM_001354723.2, NM_198156.3); short protein forms V84L.
Identifiers: ClinVar variation 2236 (VCV000002236.38), dbSNP rs5030827, ClinGen allele CA020170.

ClinVar aggregate classification (germline): Pathogenic. Review status: criteria provided, multiple submitters, no conflicts (2 of 4 stars). 6 submissions from 6 submitters: Pathogenic (4). 2 of the submissions do not count toward it. Last evaluated 2025-09-15.

Conditions:
Von Hippel-Lindau syndrome (VHLS). Also called: VHL syndrome; Von Hippel-Lindau; von Hippel–Lindau syndrome. Identifiers: Orphanet 892, MedGen C0019562, MONDO:0008667, OMIM 193300. Disease mechanism: loss of function.
Chuvash polycythemia. Also called: POLYCYTHEMIA, VHL-DEPENDENT. Identifiers: Orphanet 238557, MedGen C1837915, MONDO:0009892, OMIM 263400.
Hereditary cancer-predisposing syndrome. Also called: Neoplastic Syndromes, Hereditary; Tumor predisposition; Hereditary Cancer Syndrome; Hereditary neoplastic syndrome. Identifiers: Orphanet 140162, MedGen C0027672, MeSH D009386, MONDO:0015356.

gnomAD v4.1: 1 of 1,604,028 alleles (0.000062%); highest among the groups gnomAD compares: Non-Finnish European, 0.000085%; no homozygotes.

Submissions (6):

Labcorp Genetics (formerly Invitae), Labcorp
Classification: Pathogenic for Von Hippel-Lindau syndrome; Chuvash polycythemia. Last evaluated: 2025-09-15. Review status: criteria provided, single submitter. Criteria: Invitae Variant Classification Sherloc (09022015). Collection method: clinical testing. Allele origin: germline.
Comment: This sequence change replaces valine, which is neutral and non-polar, with leucine, which is neutral and non-polar, at codon 84 of the VHL protein (p.Val84Leu). This variant is not present in population databases (gnomAD no frequency). This missense change has been observed in individual(s) with von Hipple Lindau type 2C (PMID: 8592333, 11409863, 16502427, 19215943, 19270817, 25078357). In at least one individual the variant was observed to be de novo. ClinVar contains an entry for this variant (Variation ID: 2236). Invitae Evidence Modeling of protein sequence and biophysical properties (such as structural, functional, and spatial information, amino acid conservation, physicochemical variation, residue mobility, and thermodynamic stability) indicates that this missense variant is expected to disrupt VHL protein function with a positive predictive value of 95%. Experimental studies are conflicting or provide insufficient evidence to determine the effect of this variant on VHL function (PMID: 11331612, 11331613, 12510195, 19228690, 19602254, 21791076). For these reasons, this variant has been classified as Pathogenic.

CeGaT Center for Human Genetics Tuebingen
Classification: Pathogenic. Last evaluated: 2024-02-01. Review status: criteria provided, single submitter. Criteria: CeGaT Center For Human Genetics Tuebingen Variant Classification Criteria Version 2. Collection method: clinical testing. Allele origin: germline. Affected: yes. Observed: 1 variant allele.
Comment: VHL: PS1, PM1, PM2, PM5, PP3

Ambry Genetics
Classification: Pathogenic for Hereditary cancer-predisposing syndrome. Last evaluated: 2022-10-03. Review status: criteria provided, single submitter. Criteria: Ambry Variant Classification Scheme 2023. Collection method: clinical testing. Allele origin: germline.
Comment: The p.V84L pathogenic mutation (also known as c.250G>T), located in coding exon 1 of the VHL gene, results from a G to T substitution at nucleotide position 250. The valine at codon 84 is replaced by leucine, an amino acid with highly similar properties. This mutation has been reported in multiple families with early-onset and/or bilateral pheochromocytomas (Crossey PA et al. J Med Genet, 1995 Nov;32:885-6; Klein B et al. Hum Genet, 2001 May;108:376-84; Kang HC et al. Oncol Rep, 2005 Oct;14:879-83; Abbott MA et al. Am J Med Genet A, 2006 Apr;140:685-90). Structural analysis of this variant demonstrated impaired formation of stable pVHL-ElonginC-ElonginB (VCB) complexes in vitro and CBCVHL ubiquitin ligase complexes in vivo, and functional analyses indicated this variant is mildly defective in HIF-1&alpha; regulation, suggesting the possibility that a low level of HIF-1/2&alpha; dysregulation contributes to the pathogenesis of pheochromocytomas (Knauth K et al. J Biol Chem, 2009 Apr;284:10514-22). Another functional analysis showed low levels of HIF-2&alpha; similar to those observed with wild-type VHL but elevated levels of &alpha;5 integrin compared to wild-type VHL (Bangiyeva V et al. BMC Cancer, 2009 Jul;9:229). Another alteration at the same codon, p.V84M (c.250G>A), has been described in families with early-onset pheochromocytomas (Stanojevic BR et al. Neoplasma. 2007;54:402-6; Eisenhofer G et al. Horm. Metab. Res. 2012 May;44(5):343-8). Of note, this alteration is also designated as 463G>T in the literature. This variant is considered to be rare based on population cohorts in the Genome Aggregation Database (gnomAD). This amino acid position is highly conserved in available vertebrate species. In addition, this alteration is predicted to be deleterious by in silico analysis. Based on the supporting evidence, this alteration is interpreted as a disease-causing mutation.

Laboratory for Molecular Medicine, Mass General Brigham Personalized Medicine
Classification: Pathogenic for Von Hippel-Lindau syndrome. Last evaluated: 2012-03-02. Review status: criteria provided, single submitter. Criteria: LMM Criteria. Collection method: clinical testing. Allele origin: germline. Observed: 2 variant alleles.
Comment: The Val84Leu variant has previously been reported in the literature in several i ndividuals with clinical features consistent with VHL syndrome. Six individuals with bilateral pheochromocytomas have been reported, four of whom had a family h istory (Abbott 2006, Crossey 1995, Klein 2001, Leonardi 2011). This variant segr egated with disease in two individuals from two families (Crossey 1995, Abbott 2 006) and is currently considered to be causative for VHL type 2C (Crossey 1995). In addition, this variant (caused by a different nucleotide change, 250G>C) was reported as a de novo variant in an individual with sporadic disease and was ab sent from 400 control chromosomes (Leonardi 2011). This variant is listed in dbS NP (rs5030827) as a clinically associated variant. In summary, this variant is h ighly likely to be pathogenic.

Genomic Diagnostic Laboratory, Division of Genomic Diagnostics, Children's Hospital of Philadelphia
Classification: Pathogenic for Von Hippel-Lindau syndrome. Last evaluated: 2016-02-26. Review status: no assertion criteria provided. Collection method: clinical testing. Allele origin: germline. Affected: yes. Observed: 6 variant alleles. Not counted in ClinVar's aggregate classification.

OMIM
Classification: Pathogenic for VON HIPPEL-LINDAU SYNDROME. Last evaluated: 2006-04-01. Review status: no assertion criteria provided. Collection method: literature only. Allele origin: germline. Not counted in ClinVar's aggregate classification.

Literature cited by the submitters: PubMed 8592333 (cited by 4 submitters); PubMed 11409863 (cited by 3 submitters); PubMed 16502427 (cited by 4 submitters); PubMed 19215943 (cited by Labcorp Genetics (formerly Invitae), Labcorp); PubMed 19270817 (cited by Labcorp Genetics (formerly Invitae), Labcorp); PubMed 25078357 (cited by Labcorp Genetics (formerly Invitae), Labcorp); PubMed 11331612 (cited by Labcorp Genetics (formerly Invitae), Labcorp); PubMed 11331613 (cited by Labcorp Genetics (formerly Invitae), Labcorp); PubMed 12510195 (cited by Labcorp Genetics (formerly Invitae), Labcorp); PubMed 19228690 (cited by Labcorp Genetics (formerly Invitae), Labcorp and Ambry Genetics); PubMed 19602254 (cited by Labcorp Genetics (formerly Invitae), Labcorp and Ambry Genetics); PubMed 21791076 (cited by Labcorp Genetics (formerly Invitae), Labcorp); PubMed 16142346 (cited by Ambry Genetics); PubMed 21463266 (cited by Laboratory for Molecular Medicine, Mass General Brigham Personalized Medicine); PubMed 7784063 (cited by OMIM).